The following is an entry in ClinVar:

ClinVar aggregate classification (germline): Uncertain significance (1 of 4 stars; one submission).

Submission:

CeGaT Center for Human Genetics Tuebingen
Classification: Uncertain significance. Last evaluated: 2022-03-01. Review status: criteria provided, single submitter. Criteria: CeGaT Center For Human Genetics Tuebingen Variant Classification Criteria Version 2. Collection method: clinical testing. Allele origin: germline. Affected: yes. Observed: 1 variant allele.
Comment: ATAD3A: PM2, PP2, PP3

NM_001170535.3(ATAD3A):c.1114G>T (p.Asp372Tyr)

Gene: ATAD3A (ATPase family AAA domain containing 3A; plus strand). Cytogenetic location: 1p36.33.
Variant type: single nucleotide variant.
Coding change: c.1114G>T on transcript NM_001170535.3 (MANE Select); coding-DNA position 1114, G replaced by T.
Protein change: p.Asp372Tyr; replaces aspartic acid 372 with tyrosine.
Molecular consequence: missense variant.
Genome position (GRCh38, 1-based): chr1:1,524,297, G>T. VCF-style: chr1-1524297-G-T. GRCh37 (hg19) VCF-style: chr1-1459677-G-T.
Other names: c.877G>T, p.Asp293Tyr (NM_001170536.3); c.1258G>T, p.Asp420Tyr (NM_018188.5); short protein forms D293Y, D372Y, D420Y.
Identifiers: ClinVar variation 2638036 (VCV002638036.24), dbSNP rs2100668469, ClinGen allele CA337857944.